The following is an entry in ClinVar:

NM_024867.4(SPEF2):c.5254G>C (p.Glu1752Gln)

Gene: SPEF2 (sperm flagellar and cilia associated 2; plus strand). Cytogenetic location: 5p13.2.
Variant type: single nucleotide variant.
Coding change: c.5254G>C on transcript NM_024867.4 (MANE Select); coding-DNA position 5254, G replaced by C.
Protein change: p.Glu1752Gln; replaces glutamic acid 1752 with glutamine.
Molecular consequence: missense variant.
Genome position (GRCh38, 1-based): chr5:35,806,950, G>C. VCF-style: chr5-35806950-G-C. GRCh37 (hg19) VCF-style: chr5-35807052-G-C.
Other names: short protein forms E1752Q.
Identifiers: ClinVar variation 2368717 (VCV002368717.11), dbSNP rs372951375, ClinGen allele CA3231719.

ClinVar aggregate classification (germline): Uncertain significance. Review status: criteria provided, multiple submitters, no conflicts (2 of 4 stars). 2 submissions from 2 submitters: Uncertain significance (2). Last evaluated 2025-08-01.

Conditions:
Inborn genetic diseases. Identifiers: MedGen C0950123, MeSH D030342.

Allele frequency attached by ClinVar (database versions not stated): ESP Exome Variant Server 0.00008; TOPMed 0.00012; gnomAD 0.00013; ExAC 0.00018.
gnomAD v4.1: 474 of 1,593,358 alleles (0.03%); highest among the groups gnomAD compares: Non-Finnish European, 0.038%; 1 homozygote.

Submissions (2):

CeGaT Center for Human Genetics Tuebingen
Classification: Uncertain significance. Last evaluated: 2025-08-01. Review status: criteria provided, single submitter. Criteria: CeGaT Center For Human Genetics Tuebingen Variant Classification Criteria Version 2. Collection method: clinical testing. Allele origin: germline. Affected: yes. Observed: 1 variant allele.
Comment: SPEF2: PM2:Supporting, BP4

Ambry Genetics
Classification: Uncertain significance for Inborn genetic diseases. Last evaluated: 2024-12-03. Review status: criteria provided, single submitter. Criteria: Ambry Variant Classification Scheme 2023. Collection method: clinical testing. Allele origin: germline.